The following is an entry in ClinVar:

ClinVar aggregate classification (germline): Uncertain significance (1 of 4 stars; one submission).

Conditions:
Cardiovascular phenotype. Identifiers: MedGen CN230736.

Submission:

Ambry Genetics
Classification: Uncertain significance for Cardiovascular phenotype. Last evaluated: 2026-03-15. Review status: criteria provided, single submitter. Criteria: Ambry Variant Classification Scheme 2023. Collection method: clinical testing. Allele origin: germline.
Comment: The p.Q1380L variant (also known as c.4139A>T), located in coding exon 28 of the ABCA1 gene, results from an A to T substitution at nucleotide position 4139. The glutamine at codon 1380 is replaced by leucine, an amino acid with dissimilar properties. This amino acid position is conserved. In addition, the in silico prediction for this alteration is inconclusive. Based on the available evidence, the clinical significance of this variant remains unclear.

NM_005502.4(ABCA1):c.4139A>T (p.Gln1380Leu)

Genes: ABCA1 (ATP binding cassette subfamily A member 1; minus strand), LOC121331340 (Sharpr-MPRA regulatory region 1797; plus strand). Cytogenetic location: 9q31.1.
Variant type: single nucleotide variant.
Coding change: c.4139A>T on transcript NM_005502.4 (MANE Select); coding-DNA position 4139, A replaced by T.
Protein change: p.Gln1380Leu; replaces glutamine 1380 with leucine.
Molecular consequence: missense variant.
Genome position (GRCh38, 1-based): chr9:104,810,836, T>A on the plus strand (A>T on the coding strand, the complement: ABCA1 is on the minus strand). VCF-style: chr9-104810836-T-A. GRCh37 (hg19) VCF-style: chr9-107573117-T-A.
Other names: short protein forms Q1380L.
Identifiers: ClinVar variation 4867542 (VCV004867542.1).
Genomic context (GRCh38, chr9:104,810,836, plus strand): 5'-CTGGGATGTAGAAGACAAACATACCTGACAAATGTGTACTGTTCGTTGTACATCCAGGGC[T>A]GAAGTTCCAGGCTGGGGTACTTGCCAAAGGGTGGCACGATCAGGCTGAACACAAGGGCAA-3'
Protein context (NP_005493.2, residues 1370-1390): PFGKYPSLEL[Gln1380Leu]PWMYNEQYTF